The following is an entry in ClinVar:

NM_001365480.1(CCDC88A):c.5581T>G (p.Ser1861Ala)

Gene: CCDC88A (coiled-coil and HOOK domain protein 88A; minus strand). Cytogenetic location: 2p16.1.
Variant type: single nucleotide variant.
Coding change: c.5581T>G on transcript NM_001365480.1 (MANE Select); coding-DNA position 5581, T replaced by G.
Protein change: p.Ser1861Ala; replaces serine 1861 with alanine.
Molecular consequence: missense variant.
Genome position (GRCh38, 1-based): chr2:55,291,746, A>C on the plus strand (T>G on the coding strand, the complement: CCDC88A is on the minus strand). VCF-style: chr2-55291746-A-C. GRCh37 (hg19) VCF-style: chr2-55518882-A-C.
Other names: c.5578T>G, p.Ser1860Ala (NM_001135597.2); c.5356T>G, p.Ser1786Ala (NM_001254943.2); c.5497T>G, p.Ser1833Ala (NM_018084.5); short protein forms S1833A, S1861A, S1786A, S1860A.
Identifiers: ClinVar variation 1508187 (VCV001508187.8), dbSNP rs2104536712, ClinGen allele CA346908118.

ClinVar aggregate classification (germline): Uncertain significance (1 of 4 stars; one submission).

Submission:

Labcorp Genetics (formerly Invitae), Labcorp
Classification: Uncertain significance. Last evaluated: 2020-12-14. Review status: criteria provided, single submitter. Criteria: Invitae Variant Classification Sherloc (09022015). Collection method: clinical testing. Allele origin: germline.
Comment: In summary, the available evidence is currently insufficient to determine the role of this variant in disease. Therefore, it has been classified as a Variant of Uncertain Significance. This sequence change replaces serine with alanine at codon 1860 of the CCDC88A protein (p.Ser1860Ala). The serine residue is moderately conserved and there is a moderate physicochemical difference between serine and alanine. This variant is not present in population databases (ExAC no frequency). This variant has not been reported in the literature in individuals with CCDC88A-related conditions. Algorithms developed to predict the effect of missense changes on protein structure and function are either unavailable or do not agree on the potential impact of this missense change (SIFT: "Deleterious"; PolyPhen-2: "Benign"; Align-GVGD: "Class C0").